The following is an entry in ClinVar:

ClinVar aggregate classification (germline): Uncertain significance (1 of 4 stars; one submission).

Conditions:
Alstrom syndrome (ALMS). Identifiers: Orphanet 64, MedGen C0268425, MONDO:0008763, OMIM 203800.

Submission:

Labcorp Genetics (formerly Invitae), Labcorp
Classification: Uncertain significance for Alstrom syndrome. Last evaluated: 2021-08-18. Review status: criteria provided, single submitter. Criteria: Invitae Variant Classification Sherloc (09022015). Collection method: clinical testing. Allele origin: germline.
Comment: This sequence change replaces valine with isoleucine at codon 712 of the ALMS1 protein (p.Val712Ile). The valine residue is moderately conserved and there is a small physicochemical difference between valine and isoleucine. This variant is not present in population databases (ExAC no frequency). This variant has not been reported in the literature in individuals affected with ALMS1-related conditions. Experimental studies and prediction algorithms are not available or were not evaluated, and the functional significance of this variant is currently unknown. In summary, the available evidence is currently insufficient to determine the role of this variant in disease. Therefore, it has been classified as a Variant of Uncertain Significance.

NM_001378454.1(ALMS1):c.2131G>A (p.Val711Ile)

Gene: ALMS1 (ALMS1 centrosome and basal body associated protein; plus strand). Cytogenetic location: 2p13.1.
Variant type: single nucleotide variant.
Coding change: c.2131G>A on transcript NM_001378454.1 (MANE Select); coding-DNA position 2131, G replaced by A.
Protein change: p.Val711Ile; replaces valine 711 with isoleucine.
Molecular consequence: missense variant.
Genome position (GRCh38, 1-based): chr2:73,448,658, G>A. VCF-style: chr2-73448658-G-A. GRCh37 (hg19) VCF-style: chr2-73675785-G-A.
Other names: c.2134G>A, p.Val712Ile (NM_015120.4); short protein forms V711I, V712I.
Identifiers: ClinVar variation 1470777 (VCV001470777.3), dbSNP rs747790543, ClinGen allele CA347266836.